The following is an entry in ClinVar:

ClinVar aggregate classification (germline): Uncertain significance (1 of 4 stars; one submission).

Submission:

Labcorp Genetics (formerly Invitae), Labcorp
Classification: Uncertain significance. Last evaluated: 2021-11-20. Review status: criteria provided, single submitter. Criteria: Invitae Variant Classification Sherloc (09022015). Collection method: clinical testing. Allele origin: germline.
Comment: This variant is not present in population databases (gnomAD no frequency). This sequence change replaces asparagine, which is neutral and polar, with histidine, which is basic and polar, at codon 129 of the CDH3 protein (p.Asn129His). This variant has not been reported in the literature in individuals affected with CDH3-related conditions. Algorithms developed to predict the effect of missense changes on protein structure and function output the following: SIFT: "Not Available"; PolyPhen-2: "Benign"; Align-GVGD: "Not Available". The histidine amino acid residue is found in multiple mammalian species, which suggests that this missense change does not adversely affect protein function. In summary, the available evidence is currently insufficient to determine the role of this variant in disease. Therefore, it has been classified as a Variant of Uncertain Significance.

NM_001793.6(CDH3):c.385A>C (p.Asn129His)

Gene: CDH3 (cadherin 3; plus strand). Cytogenetic location: 16q22.1.
Variant type: single nucleotide variant.
Coding change: c.385A>C on transcript NM_001793.6 (MANE Select); coding-DNA position 385, A replaced by C.
Protein change: p.Asn129His; replaces asparagine 129 with histidine.
Molecular consequence: missense variant.
Genome position (GRCh38, 1-based): chr16:68,678,272, A>C. VCF-style: chr16-68678272-A-C. GRCh37 (hg19) VCF-style: chr16-68712175-A-C.
Other names: c.385A>C, p.Asn129His (NM_001317195.3); c.220A>C, p.Asn74His (NM_001317196.2); short protein forms N129H, N74H.
Identifiers: ClinVar variation 1425788 (VCV001425788.6), dbSNP rs2152099908, ClinGen allele CA396448824.
Genomic context (GRCh38, chr16:68,678,272, plus strand): 5'-TGGGTGGTTGCTCCAATATCTGTCCCTGAAAATGGCAAGGGTCCCTTCCCCCAGAGACTG[A>C]ATCAGGTACGACTGTGCCTTCTCCTGGGAAGCATTGGTGGCTCCAGGGACCCCCATCCAA-3'
Protein context (NP_001784.2, residues 119-139): NGKGPFPQRL[Asn129His]QLKSNKDRDT